The following is an entry in ClinVar:

NM_177438.3(DICER1):c.904-4G>C

Gene: DICER1 (dicer 1, ribonuclease III; minus strand). Cytogenetic location: 14q32.13.
Variant type: single nucleotide variant.
Coding change: c.904-4G>C on transcript NM_177438.3 (MANE Select); 4 bases into the intron before coding-DNA position 904, G replaced by C.
Molecular consequence: intron variant.
Genome position (GRCh38, 1-based): chr14:95,124,672, C>G on the plus strand (G>C on the coding strand, the complement: DICER1 is on the minus strand). VCF-style: chr14-95124672-C-G. GRCh37 (hg19) VCF-style: chr14-95591009-C-G.
Other names: c.904-4G>C (NM_001291628.2, NM_030621.4, NM_001395677.1 and 14 more transcripts); c.499-4G>C (NM_001395690.1, NM_001395687.1, NM_001395689.1 and 3 more transcripts); c.622-4G>C (NM_001395686.1); c.337-4G>C (NM_001395691.1); c.-665-4G>C (NM_001395697.1).
Identifiers: ClinVar variation 4875828 (VCV004875828.1).

ClinVar aggregate classification (germline): Likely benign (1 of 4 stars; one submission).

Conditions:
DICER1-related tumor predisposition. Also called: DICER1-related pleuropulmonary blastoma cancer predisposition syndrome; DICER1 syndrome. Identifiers: Orphanet 284343, MedGen C3839822, MONDO:0100216.

Submission:

Myriad Genetics, Inc.
Classification: Likely benign for DICER1-related tumor predisposition. Last evaluated: 2026-04-10. Review status: criteria provided, single submitter. Criteria: Myriad Autosomal Dominant, Autosomal Recessive and X-Linked Classification Criteria (2023). Collection method: clinical testing. Allele origin: unknown.
Comment: This variant is considered likely benign. This variant is intronic and is not expected to impact mRNA splicing.